The following is an entry in ClinVar:

NM_025179.4(PLXNA2):c.5250C>T (p.Asn1750=)

Gene: PLXNA2 (plexin A2; minus strand). Cytogenetic location: 1q32.2.
Variant type: single nucleotide variant.
Coding change: c.5250C>T on transcript NM_025179.4 (MANE Select); coding-DNA position 5250, C replaced by T.
Protein change: p.Asn1750=; no amino-acid change (asparagine 1750 retained).
Molecular consequence: synonymous variant.
Genome position (GRCh38, 1-based): chr1:208,029,018, G>A on the plus strand (C>T on the coding strand, the complement: PLXNA2 is on the minus strand). VCF-style: chr1-208029018-G-A. GRCh37 (hg19) VCF-style: chr1-208202363-G-A.
Identifiers: ClinVar variation 3351814 (VCV003351814.1).

ClinVar aggregate classification (germline): Likely benign (0 of 4 stars; one submission).

Conditions:
PLXNA2-related disorder. Also called: PLXNA2-related condition.

Submission:

PreventionGenetics, part of Exact Sciences
Classification: Likely benign for PLXNA2-related condition. Last evaluated: 2022-02-24. Review status: no assertion criteria provided. Collection method: clinical testing. Allele origin: germline.
Comment: This variant is classified as likely benign based on ACMG/AMP sequence variant interpretation guidelines (Richards et al. 2015 PMID: 25741868, with internal and published modifications).